The following is an entry in ClinVar:

NM_144973.4(DENND5B):c.1091A>G (p.Glu364Gly)

Gene: DENND5B (DENN domain containing 5B; minus strand). Cytogenetic location: 12p11.21.
Variant type: single nucleotide variant.
Coding change: c.1091A>G on transcript NM_144973.4 (MANE Select); coding-DNA position 1091, A replaced by G.
Protein change: p.Glu364Gly; replaces glutamic acid 364 with glycine.
Molecular consequence: missense variant.
Genome position (GRCh38, 1-based): chr12:31,460,195, T>C on the plus strand (A>G on the coding strand, the complement: DENND5B is on the minus strand). VCF-style: chr12-31460195-T-C. GRCh37 (hg19) VCF-style: chr12-31613129-T-C.
Other names: c.1196A>G, p.Glu399Gly (NM_001308339.2); c.1157A>G, p.Glu386Gly (NM_001366890.1, NM_001366893.1); c.560A>G, p.Glu187Gly (NM_001366891.1); c.1091A>G, p.Glu364Gly (NM_001366892.1); short protein forms E187G, E364G, E386G, E399G.
Identifiers: ClinVar variation 3378341 (VCV003378341.1).
Genomic context (GRCh38, chr12:31,460,195, plus strand): 5'-AAGTCGCCTTGACCTAAATCAGCAAACAGCAAATGCTTCATCATTCATTGTAGTTTTACC[T>C]CTTGAGGAAGTTCTAGTTTAGAACGGTCAGTTCCTTCTTTTGACTGAAGGCCCATCAGAT-3'
Protein context (NP_659410.3, residues 354-374): TDRSKLELPQ[Glu364Gly]ANLCFVDIDN

ClinVar aggregate classification (germline): Uncertain significance (1 of 4 stars; one submission).

Submission:

GeneDx
Classification: Uncertain significance. Last evaluated: 2024-05-16. Review status: criteria provided, single submitter. Criteria: GeneDx Variant Classification Process June 2021. Collection method: clinical testing. Allele origin: germline. Affected: yes.
Comment: Not observed at significant frequency in large population cohorts (gnomAD); In silico analysis supports a deleterious effect on splicing; In silico analysis supports that this missense variant has a deleterious effect on protein structure/function; Has not been previously published as pathogenic or benign to our knowledge